The following is an entry in ClinVar:

NM_020975.6(RET):c.675_676delinsTT (p.Arg226Cys)

Gene: RET (ret proto-oncogene; plus strand). Cytogenetic location: 10q11.21.
Variant type: Indel.
Coding change: c.675_676delinsTT on transcript NM_020975.6 (MANE Select); coding-DNA positions 675 to 676, GC replaced by TT.
Protein change: p.Arg226Cys; replaces arginine 226 with cysteine.
Molecular consequence: missense variant. On other transcripts: 5 prime UTR variant (1), intron variant (22).
Genome position (GRCh38, 1-based): chr10:43,105,001-43,105,002, GC replaced by TT. VCF-style: chr10-43105001-GC-TT. GRCh37 (hg19) VCF-style: chr10-43600449-GC-TT.
Other names: c.675_676delGCinsTT, p.Arg226Cys (NM_000323.2, NM_020629.2); c.-88_-87delinsTT (NM_001355216.2); c.675_676delinsTT, p.Arg226Cys (NM_001406743.1, NM_001406744.1, NM_001406759.1 and 6 more transcripts); c.546_547delinsTT, p.Arg183Cys (NM_001406761.1, NM_001406762.1, NM_001406764.1 and 2 more transcripts); c.387_388delinsTT, p.Arg130Cys (NM_001406766.1, NM_001406767.1, NM_001406770.1); c.625+2372_625+2373delinsTT (NM_001406773.1, NM_001406771.1, NM_001406782.1 and 5 more transcripts); c.496+2372_496+2373delinsTT (NM_001406786.1, NM_001406783.1); c.338-4030_338-4029delinsTT (NM_001406778.1, NM_001406775.1, NM_001406776.1 and 1 more transcripts); and 3 more; short protein forms R130C, R183C, R226C.
Identifiers: ClinVar variation 2835911 (VCV002835911.3), dbSNP rs2538385291, ClinGen allele CA2739265333.

ClinVar aggregate classification (germline): Uncertain significance (1 of 4 stars; one submission).

Conditions:
Multiple endocrine neoplasia, type 2 (MEN2). Identifiers: Orphanet 653, MedGen C4048306, MONDO:0019003. Disease mechanism: gain of function.

Submission:

Labcorp Genetics (formerly Invitae), Labcorp
Classification: Uncertain significance for Multiple endocrine neoplasia, type 2. Last evaluated: 2023-02-09. Review status: criteria provided, single submitter. Criteria: Invitae Variant Classification Sherloc (09022015). Collection method: clinical testing. Allele origin: germline.
Comment: Information on the frequency of this variant in the gnomAD database is not available, as this variant may be reported differently in the database. This variant has not been reported in the literature in individuals affected with RET-related conditions. Experimental studies and prediction algorithms are not available or were not evaluated, and the functional significance of this variant is currently unknown. In summary, the available evidence is currently insufficient to determine the role of this variant in disease. Therefore, it has been classified as a Variant of Uncertain Significance. This sequence change replaces arginine, which is basic and polar, with cysteine, which is neutral and slightly polar, at codon 226 of the RET protein (p.Arg226Cys).